The following is an entry in ClinVar:

NM_004281.4(BAG3):c.566C>G (p.Pro189Arg)

Gene: BAG3 (BAG cochaperone 3; plus strand). Cytogenetic location: 10q26.11.
Variant type: single nucleotide variant.
Coding change: c.566C>G on transcript NM_004281.4 (MANE Select); coding-DNA position 566, C replaced by G.
Protein change: p.Pro189Arg; replaces proline 189 with arginine.
Molecular consequence: missense variant.
Genome position (GRCh38, 1-based): chr10:119,672,313, C>G. VCF-style: chr10-119672313-C-G. GRCh37 (hg19) VCF-style: chr10-121431825-C-G.
Other names: short protein forms P189R.
Identifiers: ClinVar variation 4192148 (VCV004192148.1).

ClinVar aggregate classification (germline): Uncertain significance (1 of 4 stars; one submission).

Conditions:
Cardiovascular phenotype. Identifiers: MedGen CN230736.

Submission:

Ambry Genetics
Classification: Uncertain significance for Cardiovascular phenotype. Last evaluated: 2025-08-31. Review status: criteria provided, single submitter. Criteria: Ambry Variant Classification Scheme 2023. Collection method: clinical testing. Allele origin: germline.
Comment: The p.P189R variant (also known as c.566C>G), located in coding exon 3 of the BAG3 gene, results from a C to G substitution at nucleotide position 566. The proline at codon 189 is replaced by arginine, an amino acid with dissimilar properties. This amino acid position is conserved. In addition, the in silico prediction for this alteration is inconclusive. Based on the available evidence, the clinical significance of this variant remains unclear.